The following is an entry in ClinVar:

NM_001005242.3(PKP2):c.*1271G>C

Gene: PKP2 (plakophilin 2; minus strand). Cytogenetic location: 12p11.21.
Variant type: single nucleotide variant.
Coding change: c.*1271G>C on transcript NM_001005242.3 (MANE Select); 1271 bases downstream of the stop codon, G replaced by C.
Molecular consequence: 3 prime UTR variant.
Genome position (GRCh38, 1-based): chr12:32,791,153, C>G on the plus strand (G>C on the coding strand, the complement: PKP2 is on the minus strand). VCF-style: chr12-32791153-C-G. GRCh37 (hg19) VCF-style: chr12-32944087-C-G.
Other names: c.*1271G>C (NM_004572.4).
Identifiers: ClinVar variation 308471 (VCV000308471.6), dbSNP rs12314796, ClinGen allele CA10641994.
Genomic context (GRCh38, chr12:32,791,153, plus strand): 5'-AGGACAAATGTTGTCAGATTAAAAAAAAAAATAACAGAATAGTAGTTGTAAAGACTAACT[C>G]TATATGAATGGTTTTAATCATAGCGCAGTTAAAACAACATTTAATGTAGATTCATTTCGC-3'

ClinVar aggregate classification (germline): Benign. Review status: criteria provided, multiple submitters, no conflicts (2 of 4 stars). 2 submissions from 2 submitters: Benign (2). Last evaluated 2018-01-13.

Conditions:
Arrhythmogenic right ventricular dysplasia 9 (ARVD9). Also called: Arrhythmogenic Right Ventricular Dysplasia/Cardiomyopathy 9; ARRHYTHMOGENIC RIGHT VENTRICULAR DYSPLASIA, FAMILIAL, 9. Identifiers: MedGen C1836906, MONDO:0012180, OMIM 609040.

Allele frequency attached by ClinVar (database versions not stated): 1000 Genomes Project 0.03574; TOPMed 0.05146; gnomAD 0.05196; 1000 Genomes Project 30x 0.03623.

Submissions (2):

Illumina Laboratory Services, Illumina
Classification: Benign for Arrhythmogenic right ventricular dysplasia 9. Last evaluated: 2018-01-13. Review status: criteria provided, single submitter. Criteria: ICSL Variant Classification Criteria 13 December 2019. Collection method: clinical testing. Allele origin: germline.
Comment: This variant was observed in the ICSL laboratory as part of a predisposition screen in an ostensibly healthy population. It had not been previously curated by ICSL or reported in the Human Gene Mutation Database (HGMD: prior to June 1st, 2018), and was therefore a candidate for classification through an automated scoring system. Utilizing variant allele frequency, disease prevalence and penetrance estimates, and inheritance mode, an automated score was calculated to assess if this variant is too frequent to cause the disease. Based on the score and internal cut-off values, a variant classified as benign is not then subjected to further curation. The score for this variant resulted in a classification of benign for this disease.

Breakthrough Genomics
Classification: Benign. Review status: criteria provided, single submitter. Criteria: ACMG Guidelines, 2015. Collection method: not provided. Allele origin: germline. Inheritance: Autosomal dominant inheritance. Affected: yes.